The following is an entry in ClinVar:

ClinVar aggregate classification (germline): Benign/Likely benign. Review status: criteria provided, multiple submitters, no conflicts (2 of 4 stars). 3 submissions from 3 submitters: Benign (1); Likely benign (2). Last evaluated 2026-01-31.

Conditions:
Hereditary cancer-predisposing syndrome. Also called: Neoplastic Syndromes, Hereditary; Tumor predisposition; Hereditary Cancer Syndrome; Hereditary neoplastic syndrome. Identifiers: Orphanet 140162, MedGen C0027672, MeSH D009386, MONDO:0015356.
Hereditary nonpolyposis colorectal neoplasms. Identifiers: MedGen C0009405, MeSH D003123.
Lynch syndrome 5 (LYNCH5). Also called: Colorectal cancer, hereditary nonpolyposis, type 5; Hereditary non-polyposis colorectal cancer, type 5. Identifiers: Orphanet 144, MedGen C1833477, MONDO:0013710, OMIM 614350. Disease mechanism: loss of function.

Allele frequency attached by ClinVar (database versions not stated): TOPMed below 0.00001.

Submissions (3):

Labcorp Genetics (formerly Invitae), Labcorp
Classification: Likely benign for Hereditary nonpolyposis colorectal neoplasms. Last evaluated: 2026-01-31. Review status: criteria provided, single submitter. Criteria: Invitae Variant Classification Sherloc (09022015). Collection method: clinical testing. Allele origin: germline.

Myriad Genetics, Inc.
Classification: Benign for Lynch syndrome 5. Last evaluated: 2024-12-18. Review status: criteria provided, single submitter. Criteria: Myriad Autosomal Dominant, Autosomal Recessive and X-Linked Classification Criteria (2023). Collection method: clinical testing. Allele origin: unknown.
Comment: This variant is considered benign. This variant is a silent/synonymous amino acid change and it is not expected to impact splicing.

Ambry Genetics
Classification: Likely benign for Hereditary cancer-predisposing syndrome. Last evaluated: 2015-06-07. Review status: criteria provided, single submitter. Criteria: Ambry Variant Classification Scheme 2023. Collection method: clinical testing. Allele origin: germline.

NM_000179.3(MSH6):c.495T>C (p.Phe165=)

Gene: MSH6 (mutS homolog 6; plus strand). Cytogenetic location: 2p16.3.
Variant type: single nucleotide variant.
Coding change: c.495T>C on transcript NM_000179.3 (MANE Select); coding-DNA position 495, T replaced by C.
Protein change: p.Phe165=; no amino-acid change (phenylalanine 165 retained).
Molecular consequence: synonymous variant. On other transcripts: 5 prime UTR variant (1), intron variant (2).
Genome position (GRCh38, 1-based): chr2:47,795,931, T>C. VCF-style: chr2-47795931-T-C. GRCh37 (hg19) VCF-style: chr2-48023070-T-C.
Other names: c.-408T>C (NM_001281494.2); c.-279-2680T>C (NM_001281493.2); c.238-2680T>C (NM_001281492.2).
Identifiers: ClinVar variation 232282 (VCV000232282.11), dbSNP rs876659670, ClinGen allele CA10578037.